The following is an entry in ClinVar:

ClinVar aggregate classification (germline): Pathogenic (1 of 4 stars; one submission).

Submission:

Labcorp Genetics (formerly Invitae), Labcorp
Classification: Pathogenic. Last evaluated: 2022-05-15. Review status: criteria provided, single submitter. Criteria: Invitae Variant Classification Sherloc (09022015). Collection method: clinical testing. Allele origin: germline.
Comment: For these reasons, this variant has been classified as Pathogenic. This variant has not been reported in the literature in individuals affected with ARMC9-related conditions. This variant is a gross deletion of the genomic region encompassing exon(s) 11-14 of the ARMC9 gene. This is also known as a deletion of exon(s) 12-15 when the first non-coding exon is represented as exon 1. This deletion is out-of-frame, and is expected to create a premature termination codon and result in an absent or disrupted protein product. Loss-of-function variants in ARMC9 are known to be pathogenic (PMID: 28625504).

Literature cited by the submitters: PubMed 28625504.

NC_000002.11:g.(?_232126999)_(232141508_?)del

Gene: ARMC9 (armadillo repeat containing 9; plus strand). Cytogenetic location: 2q37.1.
Variant type: Deletion.
Identifiers: ClinVar variation 2424079 (VCV002424079.3).